The following is an entry in ClinVar:

NM_152743.4(BRAT1):c.929A>T (p.Gln310Leu)

Gene: BRAT1 (BRCA1 associated ATM activator 1; minus strand). Cytogenetic location: 7p22.3.
Variant type: single nucleotide variant.
Coding change: c.929A>T on transcript NM_152743.4 (MANE Select); coding-DNA position 929, A replaced by T.
Protein change: p.Gln310Leu; replaces glutamine 310 with leucine.
Molecular consequence: missense variant. On other transcripts: non-coding transcript variant (1).
Genome position (GRCh38, 1-based): chr7:2,542,206, T>A on the plus strand (A>T on the coding strand, the complement: BRAT1 is on the minus strand). VCF-style: chr7-2542206-T-A. GRCh37 (hg19) VCF-style: chr7-2581840-T-A.
Other names: c.929A>T, p.Gln310Leu (NM_001350626.2); c.404A>T, p.Gln135Leu (NM_001350627.2); short protein forms Q135L, Q310L.
Identifiers: ClinVar variation 946242 (VCV000946242.9), dbSNP rs1779229659, ClinGen allele CA366630432.

ClinVar aggregate classification (germline): Uncertain significance (1 of 4 stars; one submission).

Conditions:
Neonatal-onset encephalopathy with rigidity and seizures. Also called: Lethal neonatal spasticity-epileptic encephalopathy syndrome. Identifiers: Orphanet 435845, MedGen C3281029, MONDO:0013784, OMIM 614498.

Submission:

Labcorp Genetics (formerly Invitae), Labcorp
Classification: Uncertain significance for Neonatal-onset encephalopathy with rigidity and seizures. Last evaluated: 2019-04-09. Review status: criteria provided, single submitter. Criteria: Invitae Variant Classification Sherloc (09022015). Collection method: clinical testing. Allele origin: germline.
Comment: This sequence change replaces glutamine with leucine at codon 310 of the BRAT1 protein (p.Gln310Leu). The glutamine residue is highly conserved and there is a moderate physicochemical difference between glutamine and leucine. This variant is not present in population databases (ExAC no frequency). This variant has not been reported in the literature in individuals with BRAT1-related conditions. Algorithms developed to predict the effect of missense changes on protein structure and function are either unavailable or do not agree on the potential impact of this missense change (SIFT: "Deleterious"; PolyPhen-2: "Benign"; Align-GVGD: "Class C15"). In summary, the available evidence is currently insufficient to determine the role of this variant in disease. Therefore, it has been classified as a Variant of Uncertain Significance.